The following is an entry in ClinVar:

NM_181552.4(CUX1):c.605C>T (p.Thr202Ile)

Gene: CUX1 (cut like homeobox 1; plus strand). Cytogenetic location: 7q22.1.
Variant type: single nucleotide variant.
Coding change: c.605C>T on transcript NM_181552.4 (MANE Select); coding-DNA position 605, C replaced by T.
Protein change: p.Thr202Ile; replaces threonine 202 with isoleucine.
Molecular consequence: missense variant.
Genome position (GRCh38, 1-based): chr7:102,111,772, C>T. VCF-style: chr7-102111772-C-T. GRCh37 (hg19) VCF-style: chr7-101755052-C-T.
Other names: c.638C>T, p.Thr213Ile (NM_001202543.2, NM_001913.5, NM_181500.4); c.590C>T, p.Thr197Ile (NM_001202544.3); c.500C>T, p.Thr167Ile (NM_001202545.3); c.527C>T, p.Thr176Ile (NM_001202546.3); short protein forms T167I, T176I, T197I, T202I, T213I.
Identifiers: ClinVar variation 3343456 (VCV003343456.1).

ClinVar aggregate classification (germline): Uncertain significance (1 of 4 stars; one submission).

Submission:

GeneDx
Classification: Uncertain significance. Last evaluated: 2023-05-15. Review status: criteria provided, single submitter. Criteria: GeneDx Variant Classification Process June 2021. Collection method: clinical testing. Allele origin: germline. Affected: yes.
Comment: Not observed at significant frequency in large population cohorts (gnomAD); In silico analysis supports that this missense variant has a deleterious effect on protein structure/function; In silico analysis is inconclusive as to whether the variant alters gene splicing. In the absence of RNA/functional studies, the actual effect of this sequence change is unknown.; Has not been previously published as pathogenic or benign to our knowledge